The following is an entry in ClinVar:

NM_000834.5(GRIN2B):c.3096C>A (p.His1032Gln)

Gene: GRIN2B (glutamate ionotropic receptor NMDA type subunit 2B; minus strand). Cytogenetic location: 12p13.1.
Variant type: single nucleotide variant.
Coding change: c.3096C>A on transcript NM_000834.5 (MANE Select); coding-DNA position 3096, C replaced by A.
Protein change: p.His1032Gln; replaces histidine 1032 with glutamine.
Molecular consequence: missense variant.
Genome position (GRCh38, 1-based): chr12:13,564,142, G>T on the plus strand (C>A on the coding strand, the complement: GRIN2B is on the minus strand). VCF-style: chr12-13564142-G-T. GRCh37 (hg19) VCF-style: chr12-13717076-G-T.
Other names: c.3096C>A, p.His1032Gln (NM_001413992.1); short protein forms H1032Q.
Identifiers: ClinVar variation 4975808 (VCV004975808.1).

ClinVar aggregate classification (germline): Uncertain significance (1 of 4 stars; one submission).

gnomAD v4.1: 4 of 1,614,052 alleles (0.00025%); highest among the groups gnomAD compares: Non-Finnish European, 0.00025%; no homozygotes.

Submission:

GeneDx
Classification: Uncertain significance. Last evaluated: 2026-01-28. Review status: criteria provided, single submitter. Criteria: GeneDx Variant Classification Process June 2021. Collection method: clinical testing. Allele origin: germline.
Comment: Not observed at significant frequency in large population cohorts (gnomAD); In silico analysis does not support a benign or deleterious effect of this variant on protein structure/function; Has not been previously published as pathogenic or benign to our knowledge